The following is an entry in ClinVar:

ClinVar aggregate classification (germline): Uncertain significance (1 of 4 stars; one submission).

Conditions:
Hereditary cancer-predisposing syndrome. Also called: Neoplastic Syndromes, Hereditary; Tumor predisposition; Hereditary Cancer Syndrome; Hereditary neoplastic syndrome. Identifiers: Orphanet 140162, MedGen C0027672, MeSH D009386, MONDO:0015356.

Submission:

Ambry Genetics
Classification: Uncertain significance for Hereditary cancer-predisposing syndrome. Last evaluated: 2021-12-11. Review status: criteria provided, single submitter. Criteria: Ambry Variant Classification Scheme 2023. Collection method: clinical testing. Allele origin: germline.
Comment: The p.E548D variant (also known as c.1644G>T), located in coding exon 5 of the AXIN2 gene, results from a G to T substitution at nucleotide position 1644. The glutamic acid at codon 548 is replaced by aspartic acid, an amino acid with highly similar properties. This amino acid position is conserved. In addition, this alteration is predicted to be tolerated by in silico analysis. Since supporting evidence is limited at this time, the clinical significance of this alteration remains unclear.

NM_004655.4(AXIN2):c.1644G>T (p.Glu548Asp)

Gene: AXIN2 (axin 2; minus strand). Cytogenetic location: 17q24.1.
Variant type: single nucleotide variant.
Coding change: c.1644G>T on transcript NM_004655.4 (MANE Select); coding-DNA position 1644, G replaced by T.
Protein change: p.Glu548Asp; replaces glutamic acid 548 with aspartic acid.
Molecular consequence: missense variant.
Genome position (GRCh38, 1-based): chr17:65,537,392, C>A on the plus strand (G>T on the coding strand, the complement: AXIN2 is on the minus strand). VCF-style: chr17-65537392-C-A. GRCh37 (hg19) VCF-style: chr17-63533510-C-A.
Other names: c.1644G>T, p.Glu548Asp (NM_001363813.1); short protein forms E548D.
Identifiers: ClinVar variation 1777119 (VCV001777119.2), dbSNP rs1060504486, ClinGen allele CA400677032.